The following is an entry in ClinVar:

NM_001172509.2(SATB2):c.108G>C (p.Gln36His)

Gene: SATB2 (SATB homeobox 2; minus strand). Cytogenetic location: 2q33.1.
Variant type: single nucleotide variant.
Coding change: c.108G>C on transcript NM_001172509.2 (MANE Select); coding-DNA position 108, G replaced by C.
Protein change: p.Gln36His; replaces glutamine 36 with histidine.
Molecular consequence: missense variant. On other transcripts: non-coding transcript variant (1).
Genome position (GRCh38, 1-based): chr2:199,455,930, C>G on the plus strand (G>C on the coding strand, the complement: SATB2 is on the minus strand). VCF-style: chr2-199455930-C-G. GRCh37 (hg19) VCF-style: chr2-200320653-C-G.
Other names: c.108G>C, p.Gln36His (NM_001172517.1, NM_015265.4); short protein forms Q36H.
Identifiers: ClinVar variation 2419641 (VCV002419641.6), dbSNP rs1165492597, ClinGen allele CA350388470.

ClinVar aggregate classification (germline): Uncertain significance (1 of 4 stars; one submission).

Conditions:
Chromosome 2q32-q33 deletion syndrome (GLASS). Also called: Glass syndrome; 2q33.1 deletion syndrome. Identifiers: Orphanet 251019, MedGen C2676739, MONDO:0012864, OMIM 612313.

gnomAD v4.1: 1 of 1,537,818 alleles (0.000065%); highest among the groups gnomAD compares: African/African-American, 0.0014%; no homozygotes.

Submission:

Labcorp Genetics (formerly Invitae), Labcorp
Classification: Uncertain significance for Chromosome 2q32-q33 deletion syndrome. Last evaluated: 2022-10-24. Review status: criteria provided, single submitter. Criteria: Invitae Variant Classification Sherloc (09022015). Collection method: clinical testing. Allele origin: germline.
Comment: In summary, the available evidence is currently insufficient to determine the role of this variant in disease. Therefore, it has been classified as a Variant of Uncertain Significance. Advanced modeling of protein sequence and biophysical properties (such as structural, functional, and spatial information, amino acid conservation, physicochemical variation, residue mobility, and thermodynamic stability) performed at Invitae indicates that this missense variant is not expected to disrupt SATB2 protein function. This variant has not been reported in the literature in individuals affected with SATB2-related conditions. This variant is not present in population databases (gnomAD no frequency). This sequence change replaces glutamine, which is neutral and polar, with histidine, which is basic and polar, at codon 36 of the SATB2 protein (p.Gln36His).